The following is an entry in ClinVar:

ClinVar aggregate classification (germline): Uncertain significance (1 of 4 stars; one submission).

Conditions:
Fanconi anemia (FA). Also called: Fanconi's anemia. Identifiers: Orphanet 84, MedGen C0015625, MeSH D005199, MONDO:0019391.

Submission:

Labcorp Genetics (formerly Invitae), Labcorp
Classification: Uncertain significance for Fanconi anemia. Last evaluated: 2022-10-24. Review status: criteria provided, single submitter. Criteria: Invitae Variant Classification Sherloc (09022015). Collection method: clinical testing. Allele origin: germline.
Comment: This sequence change replaces isoleucine, which is neutral and non-polar, with threonine, which is neutral and polar, at codon 93 of the FANCD2 protein (p.Ile93Thr). This variant is not present in population databases (gnomAD no frequency). This variant has not been reported in the literature in individuals affected with FANCD2-related conditions. Advanced modeling of protein sequence and biophysical properties (such as structural, functional, and spatial information, amino acid conservation, physicochemical variation, residue mobility, and thermodynamic stability) performed at Invitae indicates that this missense variant is expected to disrupt FANCD2 protein function. In summary, the available evidence is currently insufficient to determine the role of this variant in disease. Therefore, it has been classified as a Variant of Uncertain Significance.

NM_001018115.3(FANCD2):c.278T>C (p.Ile93Thr)

Genes: FANCD2 (FA complementation group D2; plus strand), LOC107303338 (3p25 FANCD2 Alu-mediated recombination region; plus strand). Cytogenetic location: 3p25.3.
Variant type: single nucleotide variant.
Coding change: c.278T>C on transcript NM_001018115.3 (MANE Select); coding-DNA position 278, T replaced by C.
Protein change: p.Ile93Thr; replaces isoleucine 93 with threonine.
Molecular consequence: missense variant.
Genome position (GRCh38, 1-based): chr3:10,034,699, T>C. VCF-style: chr3-10034699-T-C. GRCh37 (hg19) VCF-style: chr3-10076383-T-C.
Other names: c.278T>C, p.Ile93Thr (NM_001319984.2, NM_001374253.1, NM_001374254.1 and 2 more transcripts); short protein forms I93T.
Identifiers: ClinVar variation 2120294 (VCV002120294.1), dbSNP rs2470719021, ClinGen allele CA351720480.